The following continues an entry in ClinVar:

NM_000321.3(RB1):c.1390-14A>T

Gene: RB1. ClinVar aggregate classification (germline): Benign/Likely benign. Benign (16); Likely benign (1).

Submissions 25 to 36 of 36:

Dr. Peter K. Rogan Lab, Western University
No classification provided (evidence only). Condition: Sarcoma. Review status: no classification provided. Collection method: in vitro. Allele origin: not applicable. Functional consequence: retained intron. Not counted in ClinVar's aggregate classification.

Dr. Peter K. Rogan Lab, Western University
No classification provided (evidence only). Condition: Sarcoma. Review status: no classification provided. Collection method: in vitro. Allele origin: not applicable. Functional consequence: retained intron. Not counted in ClinVar's aggregate classification.

Dr. Peter K. Rogan Lab, Western University
No classification provided (evidence only). Condition: Sarcoma. Review status: no classification provided. Collection method: in vitro. Allele origin: not applicable. Functional consequence: retained intron. Not counted in ClinVar's aggregate classification.

Dr. Peter K. Rogan Lab, Western University
No classification provided (evidence only). Condition: Malignant lymphoma, large B-cell, diffuse. Review status: no classification provided. Collection method: in vitro. Allele origin: not applicable. Functional consequence: retained intron. Not counted in ClinVar's aggregate classification.

Dr. Peter K. Rogan Lab, Western University
No classification provided (evidence only). Condition: Thymoma. Review status: no classification provided. Collection method: in vitro. Allele origin: not applicable. Functional consequence: retained intron. Not counted in ClinVar's aggregate classification.

Dr. Peter K. Rogan Lab, Western University
No classification provided (evidence only). Condition: Thymoma. Review status: no classification provided. Collection method: in vitro. Allele origin: not applicable. Functional consequence: retained intron. Not counted in ClinVar's aggregate classification.

Dr. Peter K. Rogan Lab, Western University
No classification provided (evidence only). Condition: Thymoma. Review status: no classification provided. Collection method: in vitro. Allele origin: not applicable. Functional consequence: retained intron. Not counted in ClinVar's aggregate classification.

Dr. Peter K. Rogan Lab, Western University
No classification provided (evidence only). Condition: Cholangiocarcinoma. Review status: no classification provided. Collection method: in vitro. Allele origin: not applicable. Functional consequence: retained intron. Not counted in ClinVar's aggregate classification.

Dr. Peter K. Rogan Lab, Western University
No classification provided (evidence only). Condition: Ovarian serous cystadenocarcinoma. Review status: no classification provided. Collection method: in vitro. Allele origin: not applicable. Functional consequence: retained intron. Not counted in ClinVar's aggregate classification.

Dr. Peter K. Rogan Lab, Western University
No classification provided (evidence only). Condition: Ovarian serous cystadenocarcinoma. Review status: no classification provided. Collection method: in vitro. Allele origin: not applicable. Functional consequence: retained intron. Not counted in ClinVar's aggregate classification.

Dr. Peter K. Rogan Lab, Western University
No classification provided (evidence only). Condition: Ovarian serous cystadenocarcinoma. Review status: no classification provided. Collection method: in vitro. Allele origin: not applicable. Functional consequence: retained intron. Not counted in ClinVar's aggregate classification.

Dr. Peter K. Rogan Lab, Western University
No classification provided (evidence only). Condition: Uterine carcinosarcoma. Review status: no classification provided. Collection method: in vitro. Allele origin: not applicable. Functional consequence: retained intron. Not counted in ClinVar's aggregate classification.